The following is an entry in ClinVar:

NM_000238.4(KCNH2):c.2647del (p.Arg883fs)

Gene: KCNH2 (potassium voltage-gated channel subfamily H member 2; minus strand). Cytogenetic location: 7q36.1.
Variant type: Deletion.
Coding change: c.2647del on transcript NM_000238.4 (MANE Select); coding-DNA position 2647, one base deleted (C; older notation c.2647delC).
Protein change: p.Arg883fs; shifts the reading frame from arginine 883.
Molecular consequence: frameshift variant.
Genome position (GRCh38, 1-based): chr7:150,948,489, G deleted on the plus strand (C on the coding strand, the reverse complement: KCNH2 is on the minus strand). VCF-style (leftmost placement, unchanged base first): chr7-150948488-CG-C. GRCh37 (hg19) VCF-style: chr7-150645576-CG-C.
Other names: c.2359delC, p.Arg787Glyfs (NM_001406753.1); c.1627del, p.Arg543fs (NM_172057.3); short protein forms R883fs, R543fs.
Identifiers: ClinVar variation 1794263 (VCV001794263.2), dbSNP rs2486012541, ClinGen allele CA2580077780.

ClinVar aggregate classification (germline): Pathogenic (1 of 4 stars; one submission).

Conditions:
Cardiovascular phenotype. Identifiers: MedGen CN230736.

Submission:

Ambry Genetics
Classification: Pathogenic for Cardiovascular phenotype. Last evaluated: 2018-07-02. Review status: criteria provided, single submitter. Criteria: Ambry Variant Classification Scheme 2023. Collection method: clinical testing. Allele origin: germline.
Comment: The c.2647delC pathogenic mutation, located in coding exon 11 of the KCNH2 gene, results from a deletion of one nucleotide at nucleotide position 2647, causing a translational frameshift with a predicted alternate stop codon (p.R883Gfs*91). This alteration is expected to result in loss of function by premature protein truncation or nonsense-mediated mRNA decay. As such, this alteration is interpreted as a disease-causing mutation.